The following is an entry in ClinVar:

ClinVar aggregate classification (germline): Likely pathogenic (1 of 4 stars; one submission).

Submission:

GeneDx
Classification: Likely pathogenic. Last evaluated: 2017-06-28. Review status: criteria provided, single submitter. Criteria: GeneDx Variant Classification (06012015). Collection method: clinical testing. Allele origin: germline. Affected: yes.
Comment: The G2689R variant in the COL12A1 gene has not been reported previously as a pathogenic variant, nor as a benign variant, to our knowledge. This variant is not observed in large population cohorts (Lek et al., 2016; 1000 Genomes Consortium et al., 2015; Exome Variant Server). The G2689R variant is a non-conservative amino acid substitution, which is likely to impact secondary protein structure as these residues differ in polarity, charge, size and/or other properties. This substitution occurs at a position that is conserved across species. In silico analysis predicts this variant is probably damaging to the protein structure/function. We interpret G2689R as a likely pathogenic variant.

NM_004370.6(COL12A1):c.8065G>A (p.Gly2689Arg)

Gene: COL12A1 (collagen type XII alpha 1 chain; minus strand). Cytogenetic location: 6q13.
Variant type: single nucleotide variant.
Coding change: c.8065G>A on transcript NM_004370.6 (MANE Select); coding-DNA position 8065, G replaced by A.
Protein change: p.Gly2689Arg; replaces glycine 2689 with arginine.
Molecular consequence: missense variant.
Genome position (GRCh38, 1-based): chr6:75,109,053, C>T on the plus strand (G>A on the coding strand, the complement: COL12A1 is on the minus strand). VCF-style: chr6-75109053-C-T. GRCh37 (hg19) VCF-style: chr6-75818769-C-T.
Other names: c.4573G>A, p.Gly1525Arg (NM_080645.3); short protein forms G2689R, G1525R.
Identifiers: ClinVar variation 450091 (VCV000450091.2), dbSNP rs1554169319, ClinGen allele CA364741528.
Genomic context (GRCh38, chr6:75,109,053, plus strand): 5'-AGAGAAATAAAAATGTGTTACTCACTGCGGCTGATTTCCTTTCCCCTTTAAGGAGTTTTC[C>T]AAGAATTTCATAACCATCAGTTGTTATATTTCCAGCTTCCTTGATGTCTTTTTCTATAAT-3'
Protein context (NP_004361.3, residues 2679-2699): NITTDGYEIL[Gly2689Arg]KLLKGERKSA